The following is an entry in ClinVar:

NM_031372.4(HNRNPDL):c.47C>T (p.Pro16Leu)

Gene: HNRNPDL (heterogeneous nuclear ribonucleoprotein D like; minus strand). Cytogenetic location: 4q21.22.
Variant type: single nucleotide variant.
Coding change: c.47C>T on transcript NM_031372.4 (MANE Select); coding-DNA position 47, C replaced by T.
Protein change: p.Pro16Leu; replaces proline 16 with leucine.
Molecular consequence: missense variant. On other transcripts: non-coding transcript variant (1).
Genome position (GRCh38, 1-based): chr4:82,429,644, G>A on the plus strand (C>T on the coding strand, the complement: HNRNPDL is on the minus strand). VCF-style: chr4-82429644-G-A. GRCh37 (hg19) VCF-style: chr4-83350797-G-A.
Other names: c.47C>T, p.Pro16Leu (NM_001207000.1); short protein forms P16L.
Identifiers: ClinVar variation 661559 (VCV000661559.14), dbSNP rs1165100198, ClinGen allele CA357174003.

ClinVar aggregate classification (germline): Uncertain significance. Review status: criteria provided, multiple submitters, no conflicts (2 of 4 stars). 3 submissions from 3 submitters: Uncertain significance (3). Last evaluated 2025-08-18.

Conditions:
Autosomal dominant limb-girdle muscular dystrophy type 1G (LGMDD3). Also called: Limb-girdle muscular dystrophy, type 1G; MUSCULAR DYSTROPHY, LIMB-GIRDLE, AUTOSOMAL DOMINANT 3. Identifiers: Orphanet 55596, MedGen C1836765, MONDO:0012193, OMIM 609115.

Allele frequency attached by ClinVar (database versions not stated): gnomAD exomes below 0.00001; gnomAD 0.00002; TOPMed 0.00009.

Submissions (3):

Labcorp Genetics (formerly Invitae), Labcorp
Classification: Uncertain significance for Autosomal dominant limb-girdle muscular dystrophy type 1G. Last evaluated: 2025-08-18. Review status: criteria provided, single submitter. Criteria: Invitae Variant Classification Sherloc (09022015). Collection method: clinical testing. Allele origin: germline.
Comment: This sequence change replaces proline, which is neutral and non-polar, with leucine, which is neutral and non-polar, at codon 16 of the HNRNPDL protein (p.Pro16Leu). This variant is not present in population databases (gnomAD no frequency). This variant has not been reported in the literature in individuals affected with HNRNPDL-related conditions. ClinVar contains an entry for this variant (Variation ID: 661559). An algorithm developed to predict the effect of missense changes on protein structure and function (PolyPhen-2) suggests that this variant is likely to be disruptive. In summary, the available evidence is currently insufficient to determine the role of this variant in disease. Therefore, it has been classified as a Variant of Uncertain Significance.

Ambry Genetics
Classification: Uncertain significance. Last evaluated: 2024-12-28. Review status: criteria provided, single submitter. Criteria: Ambry Variant Classification Scheme 2023. Collection method: clinical testing. Allele origin: germline.

Revvity Omics, Revvity
Classification: Uncertain significance for Autosomal dominant limb-girdle muscular dystrophy type 1G. Last evaluated: 2019-08-21. Review status: criteria provided, single submitter. Criteria: ACMG Guidelines, 2015. Collection method: clinical testing. Allele origin: germline.